The following is an entry in ClinVar:

NM_001103.4(ACTN2):c.2539G>C (p.Ala847Pro)

Gene: ACTN2 (actinin alpha 2; plus strand). Cytogenetic location: 1q43.
Variant type: single nucleotide variant.
Coding change: c.2539G>C on transcript NM_001103.4 (MANE Select); coding-DNA position 2539, G replaced by C.
Protein change: p.Ala847Pro; replaces alanine 847 with proline.
Molecular consequence: missense variant. On other transcripts: non-coding transcript variant (1).
Genome position (GRCh38, 1-based): chr1:236,762,473, G>C. VCF-style: chr1-236762473-G-C. GRCh37 (hg19) VCF-style: chr1-236925773-G-C.
Other names: c.2539G>C, p.Ala847Pro (NM_001278343.2); short protein forms A847P.
Identifiers: ClinVar variation 4844181 (VCV004844181.1).

ClinVar aggregate classification (germline): Uncertain significance (1 of 4 stars; one submission).

Conditions:
Cardiovascular phenotype. Identifiers: MedGen CN230736.

gnomAD v4.1: 1 of 1,613,994 alleles (0.000062%); highest among the groups gnomAD compares: African/African-American, 0.0013%; no homozygotes.

Submission:

Ambry Genetics
Classification: Uncertain significance for Cardiovascular phenotype. Last evaluated: 2026-01-17. Review status: criteria provided, single submitter. Criteria: Ambry Variant Classification Scheme 2023. Collection method: clinical testing. Allele origin: germline.
Comment: The p.A847P variant (also known as c.2539G>C), located in coding exon 21 of the ACTN2 gene, results from a G to C substitution at nucleotide position 2539. The alanine at codon 847 is replaced by proline, an amino acid with highly similar properties. This amino acid position is conserved. In addition, this alteration is predicted to be tolerated by in silico analysis. Based on the available evidence, the clinical significance of this variant remains unclear.